The following is an entry in ClinVar:

ClinVar aggregate classification (germline): Uncertain significance (1 of 4 stars; one submission).

Conditions:
Multiple endocrine neoplasia, type 1 (MEN1). Also called: MEA I; MEN I; WERMER SYNDROME; Endocrine adenomatosis multiple; MEN 1. Identifiers: Orphanet 652, MedGen C0025267, MeSH D018761, MONDO:0007540, OMIM 131100.

Submission:

Labcorp Genetics (formerly Invitae), Labcorp
Classification: Uncertain significance for Multiple endocrine neoplasia, type 1. Last evaluated: 2023-05-07. Review status: criteria provided, single submitter. Criteria: Invitae Variant Classification Sherloc (09022015). Collection method: clinical testing. Allele origin: germline.
Comment: This variant is not present in population databases (gnomAD no frequency). In summary, the available evidence is currently insufficient to determine the role of this variant in disease. Therefore, it has been classified as a Variant of Uncertain Significance. Advanced modeling of protein sequence and biophysical properties (such as structural, functional, and spatial information, amino acid conservation, physicochemical variation, residue mobility, and thermodynamic stability) performed at Invitae indicates that this missense variant is expected to disrupt MEN1 protein function. This missense change has been observed in individual(s) with cyclical Cushing disease (PMID: 29927501). This sequence change replaces valine, which is neutral and non-polar, with leucine, which is neutral and non-polar, at codon 19 of the MEN1 protein (p.Val19Leu).

Literature cited by the submitters: PubMed 29927501.

NM_001370259.2(MEN1):c.55G>C (p.Val19Leu)

Gene: MEN1 (menin 1; minus strand). Cytogenetic location: 11q13.1.
Variant type: single nucleotide variant.
Coding change: c.55G>C on transcript NM_001370259.2 (MANE Select); coding-DNA position 55, G replaced by C.
Protein change: p.Val19Leu; replaces valine 19 with leucine.
Molecular consequence: missense variant. On other transcripts: non-coding transcript variant (4).
Genome position (GRCh38, 1-based): chr11:64,810,055, C>G on the plus strand (G>C on the coding strand, the complement: MEN1 is on the minus strand). VCF-style: chr11-64810055-C-G. GRCh37 (hg19) VCF-style: chr11-64577527-C-G.
Other names: c.55G>C, p.Val19Leu (NM_000244.4, NM_001370251.2, NM_001370260.2 and 20 more transcripts); short protein forms V19L.
Identifiers: ClinVar variation 2910273 (VCV002910273.3), dbSNP rs1277927362, ClinGen allele CA381188139.